The following is an entry in ClinVar:

ClinVar aggregate classification (germline): Pathogenic (1 of 4 stars; one submission).

Conditions:
Autosomal dominant hypocalcemia 1 (HYPOC1). Also called: HYPOCALCEMIA, FAMILIAL. Identifiers: MedGen C3715128, MONDO:0011013, OMIM 601198.
Familial hypocalciuric hypercalcemia (FHH). Also called: Familial benign hypercalcemia. Identifiers: Orphanet 405, MedGen C1809471, MONDO:0018458.

Submission:

Labcorp Genetics (formerly Invitae), Labcorp
Classification: Pathogenic for Familial hypocalciuric hypercalcemia; Autosomal dominant hypocalcemia 1. Last evaluated: 2024-09-10. Review status: criteria provided, single submitter. Criteria: Invitae Variant Classification Sherloc (09022015). Collection method: clinical testing. Allele origin: germline.
Comment: This sequence change creates a premature translational stop signal (p.Gln735Argfs*6) in the CASR gene. While this is not anticipated to result in nonsense mediated decay, it is expected to disrupt the last 344 amino acid(s) of the CASR protein. This variant is not present in population databases (gnomAD no frequency). This variant has not been reported in the literature in individuals affected with CASR-related conditions. This variant disrupts a region of the CASR protein in which other variant(s) (p.Arg886Pro) have been determined to be pathogenic (PMID: 11807402, 20798521; internal data). This suggests that this is a clinically significant region of the protein, and that variants that disrupt it are likely to be disease-causing. For these reasons, this variant has been classified as Pathogenic.

Literature cited by the submitters: PubMed 11807402; PubMed 20798521.

NM_000388.4(CASR):c.2204del (p.Gln735fs)

Gene: CASR (calcium sensing receptor; plus strand). Cytogenetic location: 3q21.1.
Variant type: Deletion.
Coding change: c.2204del on transcript NM_000388.4 (MANE Select); coding-DNA position 2204, one base deleted (A; older notation c.2204delA).
Protein change: p.Gln735fs; shifts the reading frame from glutamine 735.
Molecular consequence: frameshift variant.
Genome position (GRCh38, 1-based): chr3:122,284,158, A deleted. VCF-style (leftmost placement, unchanged base first): chr3-122284157-CA-C. GRCh37 (hg19) VCF-style: chr3-122003004-CA-C.
Other names: c.2234del, p.Gln745fs (NM_001178065.2); short protein forms Q735fs, Q745fs.
Identifiers: ClinVar variation 3758521 (VCV003758521.2).